The following is an entry in ClinVar:

ClinVar aggregate classification (germline): Pathogenic (1 of 4 stars; one submission).

Conditions:
Hereditary cancer-predisposing syndrome. Also called: Neoplastic Syndromes, Hereditary; Hereditary Cancer Syndrome; Tumor predisposition; Hereditary neoplastic syndrome. Identifiers: Orphanet 140162, MedGen C0027672, MeSH D009386, MONDO:0015356.

Submission:

Labcorp Genetics (formerly Invitae), Labcorp
Classification: Pathogenic for Hereditary cancer-predisposing syndrome. Last evaluated: 2021-12-07. Review status: criteria provided, single submitter. Criteria: Invitae Variant Classification Sherloc (09022015). Collection method: clinical testing. Allele origin: germline.
Comment: This variant has not been reported in the literature in individuals affected with RAD50-related conditions. For these reasons, this variant has been classified as Pathogenic. ClinVar contains an entry for this variant (Variation ID: 583018). This variant is present in population databases (no rsID available, gnomAD 0.0009%). This sequence change creates a premature translational stop signal (p.Arg617Glyfs*13) in the RAD50 gene. It is expected to result in an absent or disrupted protein product. Loss-of-function variants in RAD50 are known to be pathogenic (PMID: 19409520).

Literature cited by the submitters: PubMed 19409520.

NM_005732.4(RAD50):c.1849_1853del (p.Arg617fs)

Gene: RAD50 (RAD50 double strand break repair protein; plus strand). Cytogenetic location: 5q31.1.
Variant type: Deletion.
Coding change: c.1849_1853del on transcript NM_005732.4 (MANE Select); coding-DNA positions 1849 to 1853, 5 bases deleted (AGAAA; older notation c.1849_1853delAGAAA).
Protein change: p.Arg617fs; shifts the reading frame from arginine 617.
Molecular consequence: frameshift variant.
Genome position (GRCh38, 1-based): chr5:132,594,924-132,594,928, AGAAA deleted; deleting any 5 consecutive bases within chr5:132,594,921-132,594,928 gives the same sequence; the c. name uses the placement nearest the transcript's 3' end. VCF-style (leftmost placement, unchanged base first): chr5-132594920-AAAAAG-A. GRCh37 (hg19) VCF-style: chr5-131930612-AAAAAG-A.
Other names: short protein forms R617fs.
Identifiers: ClinVar variation 583018 (VCV000583018.7), dbSNP rs1561642039, ClinGen allele CA563057558.
Genomic context (GRCh38, chr5:132,594,920, plus strand): 5'-TTATTTTAGCAAGGAACTAGCTTCATCTGAGCAGAATAAAAATCATATAAATAATGAACT[AAAAAG>A]AAAGGAAGAGCAGTTGTCCAGTTACGAAGACAAGCTGTTTGATGTTTGTGGTAGCCAGGA-3'